The following is an entry in ClinVar:

NM_001284401.2(TAMM41):c.272A>G (p.Tyr91Cys)

Gene: TAMM41 (TAM41 mitochondrial translocator assembly and maintenance homolog). Cytogenetic location: 3p25.2.
Variant type: single nucleotide variant.
Coding change: c.272A>G on transcript NM_001284401.2 (MANE Select); coding-DNA position 272, A replaced by G.
Protein change: p.Tyr91Cys; replaces tyrosine 91 with cysteine.
Molecular consequence: missense variant. On other transcripts: 5 prime UTR variant (1), non-coding transcript variant (10).
Genome position (GRCh38, 1-based): chr3:11,844,075, T>C on the plus strand (A>G on the coding strand, the complement: TAMM41 is on the minus strand). VCF-style: chr3-11844075-T-C. GRCh37 (hg19) VCF-style: chr3-11885549-T-C.
Other names: c.149A>G, p.Tyr50Cys (NM_001321294.2); c.-376A>G (NM_001321295.2); c.272A>G, p.Tyr91Cys (NM_001366031.2, NM_001394474.1, NM_138807.4); short protein forms Y50C, Y91C.
Identifiers: ClinVar variation 5038875 (VCV005038875.1).

ClinVar aggregate classification (germline): Likely benign (1 of 4 stars; one submission).

gnomAD v4.1: 1,168 of 1,614,160 alleles (0.072%); highest among the groups gnomAD compares: African/African-American, 1.4%; 6 homozygotes.

Submission:

CeGaT Center for Human Genetics Tuebingen
Classification: Likely benign. Last evaluated: 2026-08-01. Review status: criteria provided, single submitter. Criteria: CeGaT Center For Human Genetics Tuebingen Variant Classification Criteria Version 2. Collection method: clinical testing. Allele origin: germline. Affected: yes. Observed: 1 variant allele.
Comment: TAMM41: BP4, BS1